The following is an entry in ClinVar:

ClinVar aggregate classification (germline): Uncertain significance (1 of 4 stars; one submission).

Conditions:
Lymphoproliferative syndrome 2 (LPFS2). Also called: CD27 DEFICIENCY; Combined immunodeficiency due to CD27 deficiency. Identifiers: Orphanet 238505, MedGen C3554540, MONDO:0014054, OMIM 615122.

Allele frequency attached by ClinVar (database versions not stated): 1000 Genomes Project 30x 0.00016; 1000 Genomes Project 0.00020.

Submission:

Labcorp Genetics (formerly Invitae), Labcorp
Classification: Uncertain significance for Lymphoproliferative syndrome 2. Last evaluated: 2022-07-20. Review status: criteria provided, single submitter. Criteria: Invitae Variant Classification Sherloc (09022015). Collection method: clinical testing. Allele origin: germline.
Comment: Algorithms developed to predict the effect of missense changes on protein structure and function are either unavailable or do not agree on the potential impact of this missense change (SIFT: "Deleterious"; PolyPhen-2: "Possibly Damaging"; Align-GVGD: "Class C15"). In summary, the available evidence is currently insufficient to determine the role of this variant in disease. Therefore, it has been classified as a Variant of Uncertain Significance. This variant has not been reported in the literature in individuals affected with CD27-related conditions. This variant is present in population databases (rs201916358, gnomAD 0.007%). This sequence change replaces histidine, which is basic and polar, with tyrosine, which is neutral and polar, at codon 56 of the CD27 protein (p.His56Tyr).

NM_001242.5(CD27):c.166C>T (p.His56Tyr)

Genes: CD27 (CD27 molecule; plus strand), CD27-AS1 (CD27 antisense RNA 1; minus strand). Cytogenetic location: 12p13.31.
Variant type: single nucleotide variant.
Coding change: c.166C>T on transcript NM_001242.5 (MANE Select); coding-DNA position 166, C replaced by T.
Protein change: p.His56Tyr; replaces histidine 56 with tyrosine.
Molecular consequence: missense variant.
Genome position (GRCh38, 1-based): chr12:6,445,453, C>T. VCF-style: chr12-6445453-C-T. GRCh37 (hg19) VCF-style: chr12-6554619-C-T.
Other names: c.166C>T, p.His56Tyr (NM_001413263.1, NM_001413264.1, NM_001413265.1); c.-285C>T (NM_001413266.1, NM_001413268.1); c.-373C>T (NM_001413267.1); short protein forms H56Y.
Identifiers: ClinVar variation 2013727 (VCV002013727.4), dbSNP rs201916358, ClinGen allele CA6406897.
Genomic context (GRCh38, chr12:6,445,453, plus strand): 5'-CAGGCCTTGATCCCTTACCCTCTCCTCCCAGGAACATTCCTCGTGAAGGACTGTGACCAG[C>T]ATAGAAAGGCTGCTCAGTGTGATCCTTGCATACCGGGGGTCTCCTTCTCTCCTGACCACC-3'
Protein context (NP_001233.2, residues 46-66): GTFLVKDCDQ[His56Tyr]RKAAQCDPCI